The following is an entry in ClinVar:

ClinVar aggregate classification (germline): Uncertain significance (1 of 4 stars; one submission).

Submission:

GeneDx
Classification: Uncertain significance. Last evaluated: 2025-03-27. Review status: criteria provided, single submitter. Criteria: GeneDx Variant Classification Process June 2021. Collection method: clinical testing. Allele origin: germline. Affected: yes.
Comment: Not observed at significant frequency in large population cohorts (gnomAD); In silico analysis supports that this missense variant has a deleterious effect on protein structure/function; Has not been previously published as pathogenic or benign to our knowledge; In silico analysis is inconclusive as to whether the variant alters gene splicing. In the absence of RNA/functional studies, the actual effect of this sequence change is unknown.

NM_001135146.2(SLC39A8):c.1233G>A (p.Met411Ile)

Genes: SLC39A8 (solute carrier family 39 member 8; minus strand), LOC126807125 (MED14-independent group 3 enhancer GRCh37_chr4:103188587-103189786; plus strand). Cytogenetic location: 4q24.
Variant type: single nucleotide variant.
Coding change: c.1233G>A on transcript NM_001135146.2 (MANE Select); coding-DNA position 1233, G replaced by A.
Protein change: p.Met411Ile; replaces methionine 411 with isoleucine.
Molecular consequence: missense variant.
Genome position (GRCh38, 1-based): chr4:102,267,490, C>T on the plus strand (G>A on the coding strand, the complement: SLC39A8 is on the minus strand). VCF-style: chr4-102267490-C-T. GRCh37 (hg19) VCF-style: chr4-103188647-C-T.
Other names: c.1233G>A, p.Met411Ile (NM_001135147.1, NM_022154.5); c.1032G>A, p.Met344Ile (NM_001135148.2); short protein forms M344I, M411I.
Identifiers: ClinVar variation 4087935 (VCV004087935.1).